The following is an entry in ClinVar:

NM_001127222.2(CACNA1A):c.2809G>C (p.Gly937Arg)

Gene: CACNA1A (calcium voltage-gated channel subunit alpha1 A; minus strand). Cytogenetic location: 19p13.13.
Variant type: single nucleotide variant.
Coding change: c.2809G>C on transcript NM_001127222.2 (MANE Select); coding-DNA position 2809, G replaced by C.
Protein change: p.Gly937Arg; replaces glycine 937 with arginine.
Molecular consequence: missense variant.
Genome position (GRCh38, 1-based): chr19:13,298,824, C>G on the plus strand (G>C on the coding strand, the complement: CACNA1A is on the minus strand). VCF-style: chr19-13298824-C-G. GRCh37 (hg19) VCF-style: chr19-13409638-C-G.
Other names: c.2821G>C, p.Gly941Arg (NM_000068.4, NM_023035.3); c.2812G>C, p.Gly938Arg (NM_001127221.2, NM_001174080.2); short protein forms G937R, G938R, G941R.
Identifiers: ClinVar variation 1309744 (VCV001309744.9), dbSNP rs746428515, ClinGen allele CA9240472.

ClinVar aggregate classification (germline): Conflicting classifications of pathogenicity. Review status: criteria provided, conflicting classifications (1 of 4 stars). 2 submissions from 2 submitters: Uncertain significance (1); Likely benign (1). Last evaluated 2024-12-02.

Conditions:
Episodic ataxia type 2 (EA2). Also called: ATAXIA, EPISODIC, WITH NYSTAGMUS; ATAXIA, FAMILIAL PAROXYSMAL; CEREBELLAR ATAXIA, PAROXYSMAL, ACETAZOLAMIDE-RESPONSIVE; CEREBELLOPATHY, HEREDITARY PAROXYSMAL; EPISODIC ATAXIA, NYSTAGMUS-ASSOCIATED; ACETAZOLAMIDE-RESPONSIVE HEREDITARY PAROXYSMAL CEREBELLAR ATAXIA. Identifiers: Orphanet 97, MedGen C1720416, MONDO:0007163, OMIM 108500.
Developmental and epileptic encephalopathy, 42 (DEE42A). Also called: Epileptic encephalopathy, early infantile, 42; DEVELOPMENTAL AND EPILEPTIC ENCEPHALOPATHY 42A; EPILEPTIC ENCEPHALOPATHY, EARLY INFANTILE, 42A. Identifiers: MedGen C4310716, MONDO:0014917, OMIM 617106.

Allele frequency attached by ClinVar (database versions not stated): gnomAD exomes 0.00001; ExAC 0.00002.
gnomAD v4.1: 9 of 1,574,494 alleles (0.00057%); highest among the groups gnomAD compares: East Asian, 0.016%; no homozygotes.

Submissions (2):

Labcorp Genetics (formerly Invitae), Labcorp
Classification: Likely benign for Developmental and epileptic encephalopathy, 42; Episodic ataxia type 2. Last evaluated: 2024-12-02. Review status: criteria provided, single submitter. Criteria: Invitae Variant Classification Sherloc (09022015). Collection method: clinical testing. Allele origin: germline.

GeneDx
Classification: Uncertain significance. Last evaluated: 2019-10-25. Review status: criteria provided, single submitter. Criteria: GeneDx Variant Classification Process June 2021. Collection method: clinical testing. Allele origin: germline. Affected: yes.
Comment: Not observed at a significant frequency in large population cohorts (Lek et al., 2016); In silico analysis, which includes protein predictors and evolutionary conservation, supports that this variant does not alter protein structure/function; Has not been previously published as pathogenic or benign to our knowledge